The following is an entry in ClinVar:

NM_032383.5(HPS3):c.625G>A (p.Val209Ile)

Gene: HPS3 (HPS3 biogenesis of lysosomal organelles complex 2 subunit 1; plus strand). Cytogenetic location: 3q24.
Variant type: single nucleotide variant.
Coding change: c.625G>A on transcript NM_032383.5 (MANE Select); coding-DNA position 625, G replaced by A.
Protein change: p.Val209Ile; replaces valine 209 with isoleucine.
Molecular consequence: missense variant. On other transcripts: intron variant (1).
Genome position (GRCh38, 1-based): chr3:149,140,411, G>A. VCF-style: chr3-149140411-G-A. GRCh37 (hg19) VCF-style: chr3-148858198-G-A.
Other names: c.218-606G>A (NM_001308258.2); c.625G>A (NM_032383.3); short protein forms V209I.
Identifiers: ClinVar variation 2140369 (VCV002140369.2), dbSNP rs369986333, ClinGen allele CA2659843.

ClinVar aggregate classification (germline): Uncertain significance. Review status: criteria provided, multiple submitters, no conflicts (2 of 4 stars). 2 submissions from 2 submitters: Uncertain significance (2). Last evaluated 2024-10-07.

Conditions:
Inborn genetic diseases. Identifiers: MedGen C0950123, MeSH D030342.

Allele frequency attached by ClinVar (database versions not stated): ExAC 0.00001; TOPMed 0.00003; gnomAD 0.00005; ESP Exome Variant Server 0.00008.
gnomAD v4.1: 21 of 1,611,354 alleles (0.0013%); highest among the groups gnomAD compares: African/African-American, 0.0053%; no homozygotes.

Submissions (2):

Ambry Genetics
Classification: Uncertain significance for Inborn genetic diseases. Last evaluated: 2024-10-07. Review status: criteria provided, single submitter. Criteria: Ambry Variant Classification Scheme 2023. Collection method: clinical testing. Allele origin: germline.

Labcorp Genetics (formerly Invitae), Labcorp
Classification: Uncertain significance. Last evaluated: 2021-08-31. Review status: criteria provided, single submitter. Criteria: Invitae Variant Classification Sherloc (09022015). Collection method: clinical testing. Allele origin: germline.
Comment: This sequence change replaces valine with isoleucine at codon 209 of the HPS3 protein (p.Val209Ile). The valine residue is weakly conserved and there is a small physicochemical difference between valine and isoleucine. This variant is present in population databases (rs369986333, ExAC 0.002%). This variant has not been reported in the literature in individuals affected with HPS3-related conditions. Algorithms developed to predict the effect of missense changes on protein structure and function (SIFT, PolyPhen-2, Align-GVGD) all suggest that this variant is likely to be tolerated. In summary, the available evidence is currently insufficient to determine the role of this variant in disease. Therefore, it has been classified as a Variant of Uncertain Significance.